The following is an entry in ClinVar:

NM_152296.5(ATP1A3):c.1943G>A (p.Arg648Gln)

Gene: ATP1A3 (ATPase Na+/K+ transporting subunit alpha 3; minus strand). Cytogenetic location: 19q13.2.
Variant type: single nucleotide variant.
Coding change: c.1943G>A on transcript NM_152296.5 (MANE Select); coding-DNA position 1943, G replaced by A.
Protein change: p.Arg648Gln; replaces arginine 648 with glutamine.
Molecular consequence: missense variant.
Genome position (GRCh38, 1-based): chr19:41,977,936, C>T on the plus strand (G>A on the coding strand, the complement: ATP1A3 is on the minus strand). VCF-style: chr19-41977936-C-T. GRCh37 (hg19) VCF-style: chr19-42482088-C-T.
Other names: c.1976G>A, p.Arg659Gln (NM_001256213.2); c.1982G>A, p.Arg661Gln (NM_001256214.2); short protein forms R659Q, R648Q, R661Q.
Identifiers: ClinVar variation 871300 (VCV000871300.43), dbSNP rs2075189226, ClinGen allele CA406044779.

ClinVar aggregate classification (germline): Uncertain significance. Review status: criteria provided, multiple submitters, no conflicts (2 of 4 stars). 2 submissions from 2 submitters: Uncertain significance (2). Last evaluated 2020-07-07.

Submissions (2):

GeneDx
Classification: Uncertain significance. Last evaluated: 2020-07-07. Review status: criteria provided, single submitter. Criteria: GeneDx Variant Classification Process June 2021. Collection method: clinical testing. Allele origin: germline. Affected: yes.
Comment: Not observed in large population cohorts (Lek et al., 2016); Last nucleotide of the exon in a gene for which loss-of-function is a known mechanism of disease, and both in silico predictors and evolutionary conservation support a deleterious effect, although in the absence of functional evidence the actual effect of this sequence change is unknown.; Has not been previously published as pathogenic or benign to our knowledge

CeGaT Center for Human Genetics Tuebingen
Classification: Uncertain significance. Last evaluated: 2019-09-01. Review status: criteria provided, single submitter. Criteria: CeGaT Center For Human Genetics Tuebingen Variant Classification Criteria Version 2. Collection method: clinical testing. Allele origin: germline. Affected: yes. Observed: 1 variant allele.